The following is an entry in ClinVar:

ClinVar aggregate classification (germline): Benign (1 of 4 stars; one submission).

Allele frequency attached by ClinVar (database versions not stated): TOPMed 0.21622; gnomAD 0.22364; 1000 Genomes Project 30x 0.22455; 1000 Genomes Project 0.22883.
gnomAD v4.1: 325,727 of 1,410,578 alleles (23%); highest among the groups gnomAD compares: East Asian, 25%; 38,087 homozygotes.

Submission:

Unidad de Genómica Garrahan, Hospital de Pediatría Garrahan
Classification: Benign. Last evaluated: 2024-01-24. Review status: criteria provided, single submitter. Criteria: ACMG Guidelines, 2015. Collection method: clinical testing. Allele origin: germline. Affected: no. Observed: 27 variant alleles.
Comment: This variant is classified as Benign based on local population frequency. This variant was detected in 31% of patients studied by a panel of primary immunodeficiencies. Number of patients: 27. Only high quality variants are reported.

NM_001040458.3(ERAP1):c.1943+86T>C

Gene: ERAP1 (endoplasmic reticulum aminopeptidase 1; minus strand). Cytogenetic location: 5q15.
Variant type: single nucleotide variant.
Coding change: c.1943+86T>C on transcript NM_001040458.3 (MANE Select); 86 bases into the intron after coding-DNA position 1943, T replaced by C.
Molecular consequence: intron variant.
Genome position (GRCh38, 1-based): chr5:96,785,702, A>G on the plus strand (T>C on the coding strand, the complement: ERAP1 is on the minus strand). VCF-style: chr5-96785702-A-G. GRCh37 (hg19) VCF-style: chr5-96121406-A-G.
Other names: c.1943+86T>C (NM_001349244.2, NM_016442.5, NM_001198541.3).
Identifiers: ClinVar variation 2688459 (VCV002688459.2), dbSNP rs469876, ClinGen allele CA12170978.